The following is an entry in ClinVar:

ClinVar aggregate classification (germline): Uncertain significance (1 of 4 stars; one submission).

Submission:

Labcorp Genetics (formerly Invitae), Labcorp
Classification: Uncertain significance. Last evaluated: 2025-04-10. Review status: criteria provided, single submitter. Criteria: Invitae Variant Classification Sherloc (09022015). Collection method: clinical testing. Allele origin: germline.
Comment: This variant, c.5897_5898insACA, results in the insertion of 1 amino acid(s) of the POLE protein (p.Glu1966_Ala1967insGln), but otherwise preserves the integrity of the reading frame. This variant is not present in population databases (gnomAD no frequency). This variant has not been reported in the literature in individuals affected with POLE-related conditions. ClinVar contains an entry for this variant (Variation ID: 2911273). Experimental studies and prediction algorithms are not available or were not evaluated, and the functional significance of this variant is currently unknown. In summary, the available evidence is currently insufficient to determine the role of this variant in disease. Therefore, it has been classified as a Variant of Uncertain Significance.

NM_006231.4(POLE):c.5897_5898insACA (p.Glu1966_Ala1967insGln)

Gene: POLE (DNA polymerase epsilon, catalytic subunit; minus strand). Cytogenetic location: 12q24.33.
Variant type: Insertion.
Coding change: c.5897_5898insACA on transcript NM_006231.4 (MANE Select); coding-DNA positions 5897 to 5898, ACA inserted.
Protein change: p.Glu1966_Ala1967insGln.
Molecular consequence: inframe insertion.
Genome position: GRCh38 VCF-style: chr12-132634292-C-CTGT. GRCh37 (hg19) VCF-style: chr12-133210878-C-CTGT.
Identifiers: ClinVar variation 2911273 (VCV002911273.3), dbSNP rs2541860048, ClinGen allele CA2622046000.